The following is an entry in ClinVar:

NM_000327.4(ROM1):c.817G>T (p.Ala273Ser)

Gene: ROM1 (retinal outer segment membrane protein 1; plus strand). Cytogenetic location: 11q12.3.
Variant type: single nucleotide variant.
Coding change: c.817G>T on transcript NM_000327.4 (MANE Select); coding-DNA position 817, G replaced by T.
Protein change: p.Ala273Ser; replaces alanine 273 with serine.
Molecular consequence: missense variant.
Genome position (GRCh38, 1-based): chr11:62,614,484, G>T. VCF-style: chr11-62614484-G-T. GRCh37 (hg19) VCF-style: chr11-62381956-G-T.
Other names: short protein forms A273S.
Identifiers: ClinVar variation 1446729 (VCV001446729.6), dbSNP rs2134423778, ClinGen allele CA380972731.

ClinVar aggregate classification (germline): Uncertain significance (1 of 4 stars; one submission).

Submission:

Labcorp Genetics (formerly Invitae), Labcorp
Classification: Uncertain significance. Last evaluated: 2022-03-19. Review status: criteria provided, single submitter. Criteria: Invitae Variant Classification Sherloc (09022015). Collection method: clinical testing. Allele origin: germline.
Comment: In summary, the available evidence is currently insufficient to determine the role of this variant in disease. Therefore, it has been classified as a Variant of Uncertain Significance. Algorithms developed to predict the effect of missense changes on protein structure and function are either unavailable or do not agree on the potential impact of this missense change (SIFT: "Tolerated"; PolyPhen-2: "Possibly Damaging"; Align-GVGD: "Class C0"). This variant has not been reported in the literature in individuals affected with ROM1-related conditions. This variant is not present in population databases (gnomAD no frequency). This sequence change replaces alanine, which is neutral and non-polar, with serine, which is neutral and polar, at codon 273 of the ROM1 protein (p.Ala273Ser).